The following is an entry in ClinVar:

ClinVar aggregate classification (germline): Uncertain significance. Review status: criteria provided, multiple submitters, no conflicts (2 of 4 stars). 2 submissions from 2 submitters: Uncertain significance (2). Last evaluated 2024-10-13.

Conditions:
Colorectal cancer, hereditary nonpolyposis, type 7. Identifiers: Orphanet 144, MedGen C1858380, MONDO:0013725, OMIM 614385.

Allele frequency attached by ClinVar (database versions not stated): gnomAD exomes below 0.00001 and 0.00001; TOPMed below 0.00001; ExAC 0.00001.
gnomAD v4.1: 5 of 1,612,418 alleles (0.00031%); highest among the groups gnomAD compares: East Asian, 0.0089%; no homozygotes.

Submissions (2):

Ambry Genetics
Classification: Uncertain significance. Last evaluated: 2024-10-13. Review status: criteria provided, single submitter. Criteria: Ambry Variant Classification Scheme 2023. Collection method: clinical testing. Allele origin: germline.
Comment: The p.A1426V variant (also known as c.4277C>T), located in coding exon 12 of the MLH3 gene, results from a C to T substitution at nucleotide position 4277. The alanine at codon 1426 is replaced by valine, an amino acid with similar properties. This amino acid position is conserved. In addition, this alteration is predicted to be tolerated by in silico analysis. Since supporting evidence is limited at this time, the clinical significance of this alteration remains unclear.

Labcorp Genetics (formerly Invitae), Labcorp
Classification: Uncertain significance for Colorectal cancer, hereditary nonpolyposis, type 7. Last evaluated: 2023-12-11. Review status: criteria provided, single submitter. Criteria: Invitae Variant Classification Sherloc (09022015). Collection method: clinical testing. Allele origin: germline.
Comment: This sequence change replaces alanine, which is neutral and non-polar, with valine, which is neutral and non-polar, at codon 1426 of the MLH3 protein (p.Ala1426Val). This variant is present in population databases (rs765909949, gnomAD 0.01%). This variant has not been reported in the literature in individuals affected with MLH3-related conditions. ClinVar contains an entry for this variant (Variation ID: 963776). An algorithm developed to predict the effect of missense changes on protein structure and function (PolyPhen-2) suggests that this variant is likely to be tolerated. In summary, the available evidence is currently insufficient to determine the role of this variant in disease. Therefore, it has been classified as a Variant of Uncertain Significance.

NM_001040108.2(MLH3):c.4277C>T (p.Ala1426Val)

Gene: MLH3 (mutL homolog 3; minus strand). Cytogenetic location: 14q24.3.
Variant type: single nucleotide variant.
Coding change: c.4277C>T on transcript NM_001040108.2 (MANE Select); coding-DNA position 4277, C replaced by T.
Protein change: p.Ala1426Val; replaces alanine 1426 with valine.
Molecular consequence: missense variant.
Genome position (GRCh38, 1-based): chr14:75,017,167, G>A on the plus strand (C>T on the coding strand, the complement: MLH3 is on the minus strand). VCF-style: chr14-75017167-G-A. GRCh37 (hg19) VCF-style: chr14-75483870-G-A.
Other names: c.4205C>T, p.Ala1402Val (NM_014381.3); short protein forms A1426V, A1402V.
Identifiers: ClinVar variation 963776 (VCV000963776.13), dbSNP rs765909949, ClinGen allele CA7275163.